The following is an entry in ClinVar:

ClinVar aggregate classification (germline): Pathogenic/Likely pathogenic. Review status: criteria provided, multiple submitters, no conflicts (2 of 4 stars). 6 submissions from 6 submitters: Pathogenic (4); Likely pathogenic (2). Last evaluated 2026-03-17.

Conditions:
Hereditary nonpolyposis colorectal neoplasms. Identifiers: MedGen C0009405, MeSH D003123.
Hereditary cancer-predisposing syndrome. Also called: Neoplastic Syndromes, Hereditary; Hereditary neoplastic syndrome; Hereditary Cancer Syndrome; Tumor predisposition. Identifiers: Orphanet 140162, MedGen C0027672, MeSH D009386, MONDO:0015356.
Lynch syndrome 4 (LYNCH4). Also called: Hereditary non-polyposis colorectal cancer, type 4; Colorectal cancer, hereditary nonpolyposis, type 4. Identifiers: Orphanet 144, MedGen C1838333, MONDO:0013699, OMIM 614337. Disease mechanism: loss of function.

Submissions (6):

GeneDx
Classification: Pathogenic. Last evaluated: 2026-03-17. Review status: criteria provided, single submitter. Criteria: GeneDx Variant Classification Process June 2021. Collection method: clinical testing. Allele origin: germline.
Comment: Nonsense variant predicted to result in protein truncation or nonsense mediated decay in a gene for which loss of function is a known mechanism of disease; Truncating variants in this gene are considered pathogenic by a well-established clinical consortium and/or database; Not observed at significant frequency in large population cohorts (gnomAD); Has not been previously published as pathogenic or benign to our knowledge

Ambry Genetics
Classification: Pathogenic for Hereditary cancer-predisposing syndrome. Last evaluated: 2025-06-12. Review status: criteria provided, single submitter. Criteria: Ambry Variant Classification Scheme 2023. Collection method: clinical testing. Allele origin: germline.
Comment: The p.S601* pathogenic mutation (also known as c.1802C>G), located in coding exon 11 of the PMS2 gene, results from a C to G substitution at nucleotide position 1802. This changes the amino acid from a serine to a stop codon within coding exon 11. This variant is considered to be rare based on population cohorts in the Genome Aggregation Database (gnomAD). This alteration is expected to result in loss of function by premature protein truncation or nonsense-mediated mRNA decay. As such, this alteration is interpreted as a disease-causing mutation.

Labcorp Genetics (formerly Invitae), Labcorp
Classification: Pathogenic for Hereditary nonpolyposis colorectal neoplasms. Last evaluated: 2025-01-07. Review status: criteria provided, single submitter. Criteria: Invitae Variant Classification Sherloc (09022015). Collection method: clinical testing. Allele origin: germline.
Comment: This sequence change creates a premature translational stop signal (p.Ser601*) in the PMS2 gene. It is expected to result in an absent or disrupted protein product. Loss-of-function variants in PMS2 are known to be pathogenic (PMID: 21376568, 24362816). This variant is not present in population databases (gnomAD no frequency). This variant has not been reported in the literature in individuals affected with PMS2-related conditions. ClinVar contains an entry for this variant (Variation ID: 855903). For these reasons, this variant has been classified as Pathogenic.

Myriad Genetics, Inc.
Classification: Pathogenic for Lynch syndrome 4. Last evaluated: 2023-09-20. Review status: criteria provided, single submitter. Criteria: Myriad Autosomal Dominant, Autosomal Recessive and X-Linked Classification Criteria (2023). Collection method: clinical testing. Allele origin: unknown.
Comment: This variant is considered pathogenic. This variant creates a termination codon and is predicted to result in premature protein truncation.

Baylor Genetics
Classification: Likely pathogenic for Lynch syndrome 4. Last evaluated: 2021-04-30. Review status: criteria provided, single submitter. Criteria: ACMG Guidelines, 2015. Collection method: clinical testing. Allele origin: unknown.

Neuberg Centre For Genomic Medicine, NCGM
Classification: Likely pathogenic for Lynch syndrome 4. Review status: criteria provided, single submitter. Criteria: ACMG Guidelines, 2015. Collection method: clinical testing. Allele origin: germline. Inheritance: Autosomal dominant inheritance. Affected: yes.
Comment: The stop gain c.1802C>G (p.Ser601Ter) variant in PMS2 gene has been submitted to ClinVar as a Pathogenic, but no details are available for independent assessment. The p.Ser601Ter variant is novel (not in any individuals) in gnomAD Exomes and 1000 Genomes. This variant is predicted to cause loss of normal protein function through protein truncation. Loss of function variants have been previously reported to be disease causing. Functional studies are required to prove the pathogenicity for the variant, for these reasons, this variant has been classified as Likely Pathogenic.

Literature cited by the submitters: PubMed 21376568 (cited by Labcorp Genetics (formerly Invitae), Labcorp); PubMed 24362816 (cited by Labcorp Genetics (formerly Invitae), Labcorp).

NM_000535.7(PMS2):c.1802C>G (p.Ser601Ter)

Gene: PMS2 (PMS1 homolog 2, mismatch repair system component; minus strand). Cytogenetic location: 7p22.1.
Variant type: single nucleotide variant.
Coding change: c.1802C>G on transcript NM_000535.7 (MANE Select); coding-DNA position 1802, C replaced by G.
Protein change: p.Ser601Ter; replaces serine 601 with a stop codon.
Molecular consequence: nonsense. On other transcripts: non-coding transcript variant (1).
Genome position (GRCh38, 1-based): chr7:5,986,963, G>C on the plus strand (C>G on the coding strand, the complement: PMS2 is on the minus strand). VCF-style: chr7-5986963-G-C. GRCh37 (hg19) VCF-style: chr7-6026594-G-C.
Other names: c.1397C>G, p.Ser466Ter (NM_001322003.2, NM_001322004.2, NM_001322005.2 and 1 more transcripts); c.1646C>G, p.Ser549Ter (NM_001322006.2); c.1484C>G, p.Ser495Ter (NM_001322007.2, NM_001322008.2); c.1241C>G, p.Ser414Ter (NM_001322010.2); c.869C>G, p.Ser290Ter (NM_001322011.2, NM_001322012.2); c.1229C>G, p.Ser410Ter (NM_001322013.2); c.1802C>G, p.Ser601Ter (NM_001322014.2); c.1493C>G, p.Ser498Ter (NM_001322015.2); short protein forms S410*, S466*, S549*, S601*, S290*, S414*, S495*, S498*.
Identifiers: ClinVar variation 855903 (VCV000855903.15), dbSNP rs63750456, ClinGen allele CA366739777.